The following is an entry in ClinVar:

ClinVar aggregate classification (germline): Uncertain significance (1 of 4 stars; one submission).

Conditions:
Familial sleep-related hypermotor epilepsy. Also called: Autosomal Dominant Sleep-Related Hypermotor (Hyperkinetic) Epilepsy. Identifiers: Orphanet 98784, MedGen C3696898, MONDO:0000030.

Allele frequency attached by ClinVar (database versions not stated): gnomAD exomes below 0.00001.
gnomAD v4.1: 1 of 1,614,166 alleles (0.000062%); highest among the groups gnomAD compares: Admixed American, 0.0017%; no homozygotes.

Submission:

Labcorp Genetics (formerly Invitae), Labcorp
Classification: Uncertain significance. Last evaluated: 2022-07-19. Review status: criteria provided, single submitter. Criteria: Invitae Variant Classification Sherloc (09022015). Collection method: clinical testing. Allele origin: germline.
Comment: ClinVar contains an entry for this variant (Variation ID: 1484105). In summary, the available evidence is currently insufficient to determine the role of this variant in disease. Therefore, it has been classified as a Variant of Uncertain Significance. Advanced modeling of protein sequence and biophysical properties (such as structural, functional, and spatial information, amino acid conservation, physicochemical variation, residue mobility, and thermodynamic stability) performed at Invitae indicates that this missense variant is not expected to disrupt CHRNA2 protein function. This variant has not been reported in the literature in individuals affected with CHRNA2-related conditions. This variant is present in population databases (no rsID available, gnomAD 0.003%). This sequence change replaces threonine, which is neutral and polar, with alanine, which is neutral and non-polar, at codon 219 of the CHRNA2 protein (p.Thr219Ala).

NM_000742.4(CHRNA2):c.655A>G (p.Thr219Ala)

Gene: CHRNA2 (cholinergic receptor nicotinic alpha 2 subunit; minus strand). Cytogenetic location: 8p21.2.
Variant type: single nucleotide variant.
Coding change: c.655A>G on transcript NM_000742.4 (MANE Select); coding-DNA position 655, A replaced by G.
Protein change: p.Thr219Ala; replaces threonine 219 with alanine.
Molecular consequence: missense variant.
Genome position (GRCh38, 1-based): chr8:27,463,788, T>C on the plus strand (A>G on the coding strand, the complement: CHRNA2 is on the minus strand). VCF-style: chr8-27463788-T-C. GRCh37 (hg19) VCF-style: chr8-27321305-T-C.
Other names: c.610A>G, p.Thr204Ala (NM_001282455.2); c.178A>G, p.Thr60Ala (NM_001347705.2, NM_001347706.2); c.61A>G, p.Thr21Ala (NM_001347707.2, NM_001347708.2); short protein forms T21A, T219A, T60A, T204A.
Identifiers: ClinVar variation 1484105 (VCV001484105.8), dbSNP rs1428288320, ClinGen allele CA370811115.